The following is an entry in ClinVar:

NM_024503.5(HIVEP3):c.6415G>A (p.Glu2139Lys)

Gene: HIVEP3 (HIVEP zinc finger 3; minus strand). Cytogenetic location: 1p34.2.
Variant type: single nucleotide variant.
Coding change: c.6415G>A on transcript NM_024503.5 (MANE Select); coding-DNA position 6415, G replaced by A.
Protein change: p.Glu2139Lys; replaces glutamic acid 2139 with lysine.
Molecular consequence: missense variant.
Genome position (GRCh38, 1-based): chr1:41,511,257, C>T on the plus strand (G>A on the coding strand, the complement: HIVEP3 is on the minus strand). VCF-style: chr1-41511257-C-T. GRCh37 (hg19) VCF-style: chr1-41976928-C-T.
Other names: c.6412G>A, p.Glu2138Lys (NM_001127714.3); short protein forms E2138K, E2139K.
Identifiers: ClinVar variation 3035562 (VCV003035562.2), dbSNP rs148581312, ClinGen allele CA797204.

ClinVar aggregate classification (germline): Benign (0 of 4 stars; one submission).

Conditions:
HIVEP3-related disorder. Also called: HIVEP3-related condition.

Allele frequency attached by ClinVar (database versions not stated): ExAC 0.00093; gnomAD 0.00226; ESP Exome Variant Server 0.00238; TOPMed 0.00272; 1000 Genomes Project 0.00339; 1000 Genomes Project 30x 0.00390.
gnomAD v4.1: 709 of 1,602,634 alleles (0.044%); highest among the groups gnomAD compares: African/African-American, 0.76%; 6 homozygotes.

Submission:

PreventionGenetics, part of Exact Sciences
Classification: Benign for HIVEP3-related condition. Last evaluated: 2019-12-09. Review status: no assertion criteria provided. Collection method: clinical testing. Allele origin: germline.
Comment: This variant is classified as benign based on ACMG/AMP sequence variant interpretation guidelines (Richards et al. 2015 PMID: 25741868, with internal and published modifications).